The following is an entry in ClinVar:

ClinVar aggregate classification (germline): Uncertain significance (1 of 4 stars; one submission).

Allele frequency attached by ClinVar (database versions not stated): ExAC 0.00002; TOPMed 0.00002; gnomAD 0.00004; gnomAD exomes 0.00006; ESP Exome Variant Server 0.00008.
gnomAD v4.1: 97 of 1,614,064 alleles (0.006%); highest among the groups gnomAD compares: Non-Finnish European, 0.0075%; no homozygotes.

Submission:

CeGaT Center for Human Genetics Tuebingen
Classification: Uncertain significance. Last evaluated: 2022-07-01. Review status: criteria provided, single submitter. Criteria: CeGaT Center For Human Genetics Tuebingen Variant Classification Criteria Version 2. Collection method: clinical testing. Allele origin: germline. Affected: yes. Observed: 1 variant allele.
Comment: CIT: PM2:Supporting, PP2

NM_001206999.2(CIT):c.2983C>G (p.Leu995Val)

Gene: CIT (citron rho-interacting serine/threonine kinase; minus strand). Cytogenetic location: 12q24.23.
Variant type: single nucleotide variant.
Coding change: c.2983C>G on transcript NM_001206999.2 (MANE Select); coding-DNA position 2983, C replaced by G.
Protein change: p.Leu995Val; replaces leucine 995 with valine.
Molecular consequence: missense variant.
Genome position (GRCh38, 1-based): chr12:119,735,333, G>C on the plus strand (C>G on the coding strand, the complement: CIT is on the minus strand). VCF-style: chr12-119735333-G-C. GRCh37 (hg19) VCF-style: chr12-120173138-G-C.
Other names: c.2857C>G, p.Leu953Val (NM_007174.3); short protein forms L953V, L995V.
Identifiers: ClinVar variation 2643389 (VCV002643389.24), dbSNP rs369882255, ClinGen allele CA6821624.